The following is an entry in ClinVar:

ClinVar aggregate classification (germline): Conflicting classifications of pathogenicity. Review status: criteria provided, conflicting classifications (1 of 4 stars). 5 submissions from 5 submitters: Uncertain significance (4); Likely benign (1). Last evaluated 2025-04-29.

Conditions:
Primary ciliary dyskinesia 7. Also called: CILIARY DYSKINESIA, PRIMARY, 7, WITH OR WITHOUT SITUS INVERSUS. Identifiers: Orphanet 244, MedGen C2678473, MONDO:0012748, OMIM 611884.
Primary ciliary dyskinesia. Also called: Ciliary dyskinesia. Identifiers: Orphanet 244, MedGen C0008780, MONDO:0016575, HP:0012265.

Allele frequency attached by ClinVar (database versions not stated): ExAC 0.00002; gnomAD exomes 0.00002; TOPMed 0.00002.
gnomAD v4.1: 28 of 1,611,348 alleles (0.0017%); highest among the groups gnomAD compares: Admixed American, 0.0033%; no homozygotes.

Submissions (5):

Ambry Genetics
Classification: Uncertain significance for Primary ciliary dyskinesia. Last evaluated: 2025-04-29. Review status: criteria provided, single submitter. Criteria: Ambry Variant Classification Scheme 2023. Collection method: clinical testing. Allele origin: germline.
Comment: The p.R1834H variant (also known as c.5501G>A), located in coding exon 32 of the DNAH11 gene, results from a G to A substitution at nucleotide position 5501. The arginine at codon 1834 is replaced by histidine, an amino acid with highly similar properties. This amino acid position is highly conserved in available vertebrate species. In addition, this alteration is predicted to be deleterious by in silico analysis. Since supporting evidence is limited at this time, the clinical significance of this alteration remains unclear.

Broad Center for Mendelian Genomics, Broad Institute of MIT and Harvard
Classification: Uncertain significance for Primary ciliary dyskinesia 7. Last evaluated: 2025-02-13. Review status: criteria provided, single submitter. Criteria: ACMG Guidelines, 2015. Collection method: curation. Allele origin: germline. Inheritance: Autosomal recessive inheritance.
Comment: The p.Arg1834His variant in DNAH11 has been reported in 1 individual with primary ciliary dyskinesia (PMID: 33577779), and has been identified in 0.003% (2/59738) of Admixed American chromosomes by the Genome Aggregation Database (gnomAD; dbSNP rs750430725). Although this variant has been seen in the general population in a heterozygous state, its frequency is low enough to be consistent with a recessive carrier frequency. This variant has also been reported in ClinVar (Variation ID: 596295) and has been interpreted as a variant of uncertain significance by Eurofins Ntd Llc and Ambry Genetics, and likely benign by Invitae. Computational prediction tools and conservation analyses do not provide strong support for or against an impact to the protein. In summary, the clinical significance of the p.Arg1834His variant is uncertain. ACMG/AMP Criteria applied: PM2_supporting (Richards 2015).

Labcorp Genetics (formerly Invitae), Labcorp
Classification: Likely benign for Primary ciliary dyskinesia. Last evaluated: 2024-12-23. Review status: criteria provided, single submitter. Criteria: Invitae Variant Classification Sherloc (09022015). Collection method: clinical testing. Allele origin: germline.

Mayo Clinic Laboratories, Mayo Clinic
Classification: Uncertain significance. Last evaluated: 2024-04-02. Review status: criteria provided, single submitter. Criteria: ACMG Guidelines, 2015. Collection method: clinical testing. Allele origin: germline. Observed: 1 variant allele.

Eurofins Ntd Llc (ga)
Classification: Uncertain significance. Last evaluated: 2018-02-26. Review status: criteria provided, single submitter. Criteria: EGL ClinVar v180209 classification definitions. Collection method: clinical testing. Allele origin: germline. Observed: 2 variant alleles, 2 heterozygotes.

Literature cited by the submitters: PubMed 33577779 (cited by Mayo Clinic Laboratories, Mayo Clinic).

NM_001277115.2(DNAH11):c.5501G>A (p.Arg1834His)

Gene: DNAH11 (dynein axonemal heavy chain 11; plus strand). Cytogenetic location: 7p15.3.
Variant type: single nucleotide variant.
Coding change: c.5501G>A on transcript NM_001277115.2 (MANE Select); coding-DNA position 5501, G replaced by A.
Protein change: p.Arg1834His; replaces arginine 1834 with histidine.
Molecular consequence: missense variant.
Genome position (GRCh38, 1-based): chr7:21,683,824, G>A. VCF-style: chr7-21683824-G-A. GRCh37 (hg19) VCF-style: chr7-21723442-G-A.
Other names: p.Arg1834His; NM_001277115.2(DNAH11):c.5501G>A; short protein forms R1834H.
Identifiers: ClinVar variation 596295 (VCV000596295.14), dbSNP rs750430725, ClinGen allele CA4180458.